The following is an entry in ClinVar:

ClinVar aggregate classification (germline): Uncertain significance. Review status: criteria provided, single submitter (1 of 4 stars). 2 submissions from 2 submitters: Uncertain significance (1). 1 of the submissions does not count toward it. Last evaluated 2024-11-25.

Conditions:
Fanconi anemia (FA). Also called: Fanconi's anemia. Identifiers: Orphanet 84, MedGen C0015625, MeSH D005199, MONDO:0019391.
Inborn genetic diseases. Identifiers: MedGen C0950123, MeSH D030342.

gnomAD v4.1: 3 of 1,614,158 alleles (0.00019%); highest among the groups gnomAD compares: East Asian, 0.0022%; no homozygotes.

Submissions (2):

Ambry Genetics
Classification: Uncertain significance for Inborn genetic diseases. Last evaluated: 2024-11-25. Review status: criteria provided, single submitter. Criteria: Ambry Variant Classification Scheme 2023. Collection method: clinical testing. Allele origin: germline.
Comment: The p.L871F variant (also known as c.2611C>T), located in coding exon 28 of the FANCA gene, results from a C to T substitution at nucleotide position 2611. The leucine at codon 871 is replaced by phenylalanine, an amino acid with highly similar properties. This amino acid position is conserved. In addition, this alteration is predicted to be tolerated by in silico analysis. Based on the available evidence, the clinical significance of this variant remains unclear.

Natera, Inc.
Classification: Uncertain significance for Fanconi anemia. Last evaluated: 2025-05-19. Review status: no assertion criteria provided. Collection method: clinical testing. Allele origin: germline. Not counted in ClinVar's aggregate classification.

NM_000135.4(FANCA):c.2611C>T (p.Leu871Phe)

Genes: FANCA (FA complementation group A; minus strand), LOC130059837 (ATAC-STARR-seq lymphoblastoid active region 11420; plus strand). Cytogenetic location: 16q24.3.
Variant type: single nucleotide variant.
Coding change: c.2611C>T on transcript NM_000135.4 (MANE Select); coding-DNA position 2611, C replaced by T.
Protein change: p.Leu871Phe; replaces leucine 871 with phenylalanine.
Molecular consequence: missense variant.
Genome position (GRCh38, 1-based): chr16:89,765,057, G>A on the plus strand (C>T on the coding strand, the complement: FANCA is on the minus strand). VCF-style: chr16-89765057-G-A. GRCh37 (hg19) VCF-style: chr16-89831465-G-A.
Other names: c.2611C>T, p.Leu871Phe (NM_001286167.3); c.2611C>T (NM_000135.3); short protein forms L871F.
Identifiers: ClinVar variation 3512669 (VCV003512669.2).